The following is an entry in ClinVar:

ClinVar aggregate classification (germline): Benign/Likely benign. Review status: criteria provided, multiple submitters, no conflicts (2 of 4 stars). 8 submissions from 8 submitters: Benign (3); Likely benign (3). 2 of the submissions do not count toward it. Last evaluated 2026-10-01.

Conditions:
Short-rib thoracic dysplasia 10 with or without polydactyly (SRTD10). Identifiers: Orphanet 474, MedGen C3810175, MONDO:0014284, OMIM 615630.
Bardet-Biedl syndrome 20. Identifiers: MedGen C4310707, MONDO:0023670, OMIM 619471, MONDO:0014926.
Retinitis pigmentosa 71 (RP71). Identifiers: Orphanet 791, MedGen C4225342, MONDO:0014618, OMIM 616394.

Allele frequency attached by ClinVar (database versions not stated): 1000 Genomes Project 30x 0.00250; 1000 Genomes Project 0.00260; TOPMed 0.00397; ESP Exome Variant Server 0.00400; ExAC 0.00492; gnomAD 0.00509 and 0.00526; gnomAD exomes 0.00535 and 0.00549.

Submissions (8):

CeGaT Center for Human Genetics Tuebingen
Classification: Likely benign. Last evaluated: 2026-10-01. Review status: criteria provided, single submitter. Criteria: CeGaT Center For Human Genetics Tuebingen Variant Classification Criteria Version 2. Collection method: clinical testing. Allele origin: germline. Affected: yes. Observed: 20 variant alleles.
Comment: IFT172: BP4, BP7, BS2

Labcorp Genetics (formerly Invitae), Labcorp
Classification: Benign for Retinitis pigmentosa 71; Short-rib thoracic dysplasia 10 with or without polydactyly. Last evaluated: 2026-02-02. Review status: criteria provided, single submitter. Criteria: Invitae Variant Classification Sherloc (09022015). Collection method: clinical testing. Allele origin: germline.

Blueprint Genetics
Classification: Likely benign. Last evaluated: 2024-11-25. Review status: criteria provided, single submitter. Criteria: ACMG Guidelines, 2015. Collection method: clinical testing. Allele origin: germline.

Fulgent Genetics
Classification: Likely benign for Short-rib thoracic dysplasia 10 with or without polydactyly; Retinitis pigmentosa 71; Bardet-Biedl syndrome 20. Last evaluated: 2021-08-12. Review status: criteria provided, single submitter. Criteria: ACMG Guidelines, 2015. Collection method: clinical testing. Allele origin: unknown.

GeneDx
Classification: Benign. Last evaluated: 2017-03-28. Review status: criteria provided, single submitter. Criteria: GeneDx Variant Classification (06012015). Collection method: clinical testing. Allele origin: germline. Affected: yes.
Comment: This variant is considered likely benign or benign based on one or more of the following criteria: it is a conservative change, it occurs at a poorly conserved position in the protein, it is predicted to be benign by multiple in silico algorithms, and/or has population frequency not consistent with disease.

Breakthrough Genomics
Classification: Benign. Review status: criteria provided, single submitter. Criteria: ACMG Guidelines, 2015. Collection method: not provided. Allele origin: germline. Inheritance: Autosomal recessive inheritance. Affected: yes.

Clinical Genetics, Academic Medical Center
Classification: Benign. Review status: no assertion criteria provided. Collection method: clinical testing. Allele origin: germline. Affected: yes. Study: VKGL Data-share Consensus. Not counted in ClinVar's aggregate classification.

Genome Diagnostics Laboratory, University Medical Center Utrecht
Classification: Benign. Review status: no assertion criteria provided. Collection method: clinical testing. Allele origin: germline. Affected: yes. Study: VKGL Data-share Consensus. Not counted in ClinVar's aggregate classification.

NM_015662.3(IFT172):c.4272G>A (p.Gln1424=)

Gene: IFT172 (intraflagellar transport 172; minus strand). Cytogenetic location: 2p23.3.
Variant type: single nucleotide variant.
Coding change: c.4272G>A on transcript NM_015662.3 (MANE Select); coding-DNA position 4272, G replaced by A.
Protein change: p.Gln1424=; no amino-acid change (glutamine 1424 retained).
Molecular consequence: synonymous variant.
Genome position (GRCh38, 1-based): chr2:27,449,333, C>T on the plus strand (G>A on the coding strand, the complement: IFT172 is on the minus strand). VCF-style: chr2-27449333-C-T. GRCh37 (hg19) VCF-style: chr2-27672200-C-T.
Identifiers: ClinVar variation 516971 (VCV000516971.46), dbSNP rs147850047, ClinGen allele CA1579666.